The following is an entry in ClinVar:

NM_013266.4(CTNNA3):c.2654T>C (p.Val885Ala)

Gene: CTNNA3 (catenin alpha 3; minus strand). Cytogenetic location: 10q21.3.
Variant type: single nucleotide variant.
Coding change: c.2654T>C on transcript NM_013266.4 (MANE Select); coding-DNA position 2654, T replaced by C.
Protein change: p.Val885Ala; replaces valine 885 with alanine.
Molecular consequence: missense variant.
Genome position (GRCh38, 1-based): chr10:65,920,364, A>G on the plus strand (T>C on the coding strand, the complement: CTNNA3 is on the minus strand). VCF-style: chr10-65920364-A-G. GRCh37 (hg19) VCF-style: chr10-67680122-A-G.
Other names: c.2654T>C, p.Val885Ala (NM_001127384.3); short protein forms V885A.
Identifiers: ClinVar variation 1976570 (VCV001976570.5), dbSNP rs758842998, ClinGen allele CA5519527.

ClinVar aggregate classification (germline): Uncertain significance (1 of 4 stars; one submission).

Conditions:
Arrhythmogenic right ventricular dysplasia 13. Also called: ARRHYTHMOGENIC RIGHT VENTRICULAR CARDIOMYOPATHY 13; Arrhythmogenic right ventricular dysplasia, familial, 13. Identifiers: MedGen C3810138, MONDO:0000908, OMIM 615616.

Allele frequency attached by ClinVar (database versions not stated): TOPMed below 0.00001; gnomAD exomes 0.00001; ExAC 0.00002.
gnomAD v4.1: 3 of 1,613,926 alleles (0.00019%); highest among the groups gnomAD compares: Admixed American, 0.005%; no homozygotes.

Submission:

Labcorp Genetics (formerly Invitae), Labcorp
Classification: Uncertain significance for Arrhythmogenic right ventricular dysplasia 13. Last evaluated: 2022-04-21. Review status: criteria provided, single submitter. Criteria: Invitae Variant Classification Sherloc (09022015). Collection method: clinical testing. Allele origin: germline.
Comment: In summary, the available evidence is currently insufficient to determine the role of this variant in disease. Therefore, it has been classified as a Variant of Uncertain Significance. Algorithms developed to predict the effect of missense changes on protein structure and function are either unavailable or do not agree on the potential impact of this missense change (SIFT: "Tolerated"; PolyPhen-2: "Not Available"; Align-GVGD: "Class C0"). This variant has not been reported in the literature in individuals affected with CTNNA3-related conditions. This variant is present in population databases (rs758842998, gnomAD 0.009%). This sequence change replaces valine, which is neutral and non-polar, with alanine, which is neutral and non-polar, at codon 885 of the CTNNA3 protein (p.Val885Ala).